The following is an entry in ClinVar:

NM_000289.6(PFKM):c.1992+1G>T

Gene: PFKM (phosphofructokinase, muscle; plus strand). Cytogenetic location: 12q13.11.
Variant type: single nucleotide variant.
Coding change: c.1992+1G>T on transcript NM_000289.6 (MANE Select); the canonical splice donor site of the intron after coding-DNA position 1992, G replaced by T.
Molecular consequence: splice donor variant.
Genome position (GRCh38, 1-based): chr12:48,144,158, G>T. VCF-style: chr12-48144158-G-T. GRCh37 (hg19) VCF-style: chr12-48537941-G-T.
Other names: c.1992+1G>T (NM_001354743.2, NM_001354742.2, NM_001354744.2 and 2 more transcripts); c.2205+1G>T (NM_001166686.2, NM_001354737.1, NM_001354739.1 and 1 more transcripts); c.2016+1G>T (NM_001354741.2); c.1842+1G>T (NM_001354747.2, NM_001354748.2); c.2301+1G>T (NM_001354736.1, NM_001354735.1); c.2136+1G>T (NM_001354740.1); c.1905+1G>T (NM_001354745.2); c.1866+1G>T (NM_001354746.2); and 1 more.
Identifiers: ClinVar variation 2846066 (VCV002846066.3), dbSNP rs2498652283, ClinGen allele CA384555186.

ClinVar aggregate classification (germline): Likely pathogenic (1 of 4 stars; one submission).

Conditions:
Glycogen storage disease, type VII (GSD7). Also called: GSD VII; MUSCLE PHOSPHOFRUCTOKINASE DEFICIENCY; PFKM DEFICIENCY; TARUI DISEASE. Identifiers: Orphanet 371, MedGen C0017926, MONDO:0009295, OMIM 232800.

Submission:

Labcorp Genetics (formerly Invitae), Labcorp
Classification: Likely pathogenic for Glycogen storage disease, type VII. Last evaluated: 2023-03-15. Review status: criteria provided, single submitter. Criteria: Invitae Variant Classification Sherloc (09022015). Collection method: clinical testing. Allele origin: germline.
Comment: This sequence change affects a donor splice site in intron 20 of the PFKM gene. It is expected to disrupt RNA splicing. Variants that disrupt the donor or acceptor splice site typically lead to a loss of protein function (PMID: 16199547), and loss-of-function variants in PFKM are known to be pathogenic (PMID: 7825568, 8037209). This variant is not present in population databases (gnomAD no frequency). This variant has not been reported in the literature in individuals affected with PFKM-related conditions. Algorithms developed to predict the effect of sequence changes on RNA splicing suggest that this variant may disrupt the consensus splice site. In summary, the currently available evidence indicates that the variant is pathogenic, but additional data are needed to prove that conclusively. Therefore, this variant has been classified as Likely Pathogenic.

Literature cited by the submitters: PubMed 16199547; PubMed 7825568; PubMed 8037209.